The following is an entry in ClinVar:

NM_001127208.3(TET2):c.2539C>G (p.Gln847Glu)

Genes: TET2 (tet methylcytosine dioxygenase 2; plus strand), TET2-AS1 (TET2 antisense RNA 1; minus strand). Cytogenetic location: 4q24.
Variant type: single nucleotide variant.
Coding change: c.2539C>G on transcript NM_001127208.3 (MANE Select); coding-DNA position 2539, C replaced by G.
Protein change: p.Gln847Glu; replaces glutamine 847 with glutamic acid.
Molecular consequence: missense variant.
Genome position (GRCh38, 1-based): chr4:105,236,481, C>G. VCF-style: chr4-105236481-C-G. GRCh37 (hg19) VCF-style: chr4-106157638-C-G.
Other names: c.2539C>G, p.Gln847Glu (NM_017628.4); short protein forms Q847E.
Identifiers: ClinVar variation 4594118 (VCV004594118.1).
Genomic context (GRCh38, chr4:105,236,481, plus strand): 5'-GCATGCAAAATACAGGTTTCTTGTTCAAACAATACACACCTAGTTTCAGAGAATAAAGAA[C>G]AGACTACACATCCTGAACTTTTTGCAGGAAACAAGACCCAAAACTTGCATCACATGCAAT-3'
Protein context (NP_001120680.1, residues 837-857): NTHLVSENKE[Gln847Glu]TTHPELFAGN

ClinVar aggregate classification (germline): Uncertain significance (1 of 4 stars; one submission).

Submission:

Ambry Genetics
Classification: Uncertain significance. Last evaluated: 2025-09-19. Review status: criteria provided, single submitter. Criteria: Ambry Variant Classification Scheme 2023. Collection method: clinical testing. Allele origin: germline.
Comment: The p.Q847E variant (also known as c.2539C>G), located in coding exon 1 of the TET2 gene, results from a C to G substitution at nucleotide position 2539. The glutamine at codon 847 is replaced by glutamic acid, an amino acid with highly similar properties. This amino acid position is conserved. In addition, this alteration is predicted to be tolerated by in silico analysis. Based on the available evidence, the clinical significance of this variant remains unclear.